The following is an entry in ClinVar:

ClinVar aggregate classification (germline): Conflicting classifications of pathogenicity. Review status: criteria provided, conflicting classifications (1 of 4 stars). 5 submissions from 5 submitters: Uncertain significance (4); Likely benign (1). Last evaluated 2026-05-28.

Conditions:
Cardiovascular phenotype. Identifiers: MedGen CN230736.
Arrhythmogenic cardiomyopathy with wooly hair and keratoderma. Also called: Arrhythmogenic cardiomyopathy with woolly hair and keratoderma; PALMOPLANTAR KERATODERMA WITH LEFT VENTRICULAR CARDIOMYOPATHY AND WOOLLY HAIR; Carvajal syndrome; Dilated cardiomyopathy with woolly hair and keratoderma. Identifiers: Orphanet 65282, MedGen C1854063, MONDO:0011581, OMIM 605676.
Arrhythmogenic right ventricular dysplasia 8 (ARVD8). Also called: Arrhythmogenic Right Ventricular Dysplasia/Cardiomyopathy 8; ARRHYTHMOGENIC RIGHT VENTRICULAR DYSPLASIA, FAMILIAL, 8; ARRHYTHMOGENIC RIGHT VENTRICULAR CARDIOMYOPATHY 8. Identifiers: MedGen C1843896, MONDO:0011831, OMIM 607450.
Woolly hair-skin fragility syndrome (WHSF). Identifiers: Orphanet 293165, MedGen C1843292, MONDO:0957307, OMIM 620415.
Cardiomyopathy, dilated, with wooly hair, keratoderma, and tooth agenesis. Also called: Cardiomyopathy, dilated, with woolly hair, keratoderma, and tooth agenesis; Erythrokeratodermia-cardiomyopathy syndrome. Identifiers: Orphanet 476096, Orphanet 65282, MedGen C4014393, MONDO:0014355, OMIM 615821.
Lethal acantholytic epidermolysis bullosa (EBLA). Identifiers: Orphanet 158687, MedGen C1864826, MONDO:0012323, OMIM 609638.
Keratosis palmoplantaris striata 2. Also called: KERATODERMA, PALMOPLANTAR, STRIATE FORM II; STRIATE PALMOPLANTAR KERATODERMA II; Keratosis palmoplantaris striata II. Identifiers: MedGen C1852127, MONDO:0013034, OMIM 612908.
Cardiomyopathy (CMYO). Also called: Cardiomyopathies. Identifiers: Orphanet 167848, MedGen C0878544, MONDO:0004994, HP:0001638. Inheritance: Various modes of inheritance.

Allele frequency attached by ClinVar (database versions not stated): gnomAD 0.00001; ESP Exome Variant Server 0.00008; gnomAD exomes below 0.00001; TOPMed 0.00001.
gnomAD v4.1: 1 of 1,614,064 alleles (0.000062%); highest among the groups gnomAD compares: African/African-American, 0.0013%; no homozygotes.

Submissions (5):

Ambry Genetics
Classification: Uncertain significance for Cardiovascular phenotype. Last evaluated: 2026-05-28. Review status: criteria provided, single submitter. Criteria: Ambry Variant Classification Scheme 2023. Collection method: clinical testing. Allele origin: germline.
Comment: The p.Y2720F variant (also known as c.8159A>T), located in coding exon 24 of the DSP gene, results from an A to T substitution at nucleotide position 8159. The tyrosine at codon 2720 is replaced by phenylalanine, an amino acid with highly similar properties. This amino acid position is conserved. In addition, the in silico prediction for this alteration is inconclusive. Based on the available evidence, the clinical significance of this variant remains unclear.

Color Diagnostics, LLC DBA Color Health
Classification: Uncertain significance for Cardiomyopathy. Last evaluated: 2025-12-15. Review status: criteria provided, single submitter. Criteria: ACMG Guidelines, 2015. Collection method: clinical testing. Allele origin: germline.
Comment: This missense variant replaces tyrosine with phenylalanine at codon 2720 of the DSP protein. Computational prediction suggests that this variant may not impact protein structure and function. To our knowledge, functional studies have not been reported for this variant. This variant has not been reported in individuals affected with DSP-related disorders in the literature. This variant has been identified in 1/251448 chromosomes in the general population by the Genome Aggregation Database (gnomAD). The available evidence is insufficient to determine the role of this variant in disease conclusively. Therefore, this variant is classified as a Variant of Uncertain Significance.

Labcorp Genetics (formerly Invitae), Labcorp
Classification: Likely benign for Arrhythmogenic cardiomyopathy with wooly hair and keratoderma; Arrhythmogenic right ventricular dysplasia 8. Last evaluated: 2025-04-19. Review status: criteria provided, single submitter. Criteria: Invitae Variant Classification Sherloc (09022015). Collection method: clinical testing. Allele origin: germline.

All of Us Research Program, National Institutes of Health
Classification: Uncertain significance for Arrhythmogenic cardiomyopathy with wooly hair and keratoderma. Last evaluated: 2023-11-30. Review status: criteria provided, single submitter. Criteria: ACMG Guidelines, 2015. Collection method: clinical testing. Allele origin: germline. Inheritance: Autosomal dominant inheritance. Observed: 4 variant alleles, 4 heterozygotes.
Comment: This missense variant replaces tyrosine with phenylalanine at codon 2720 of the DSP protein. Computational prediction suggests that this variant may not impact protein structure and function (internally defined REVEL score threshold <= 0.5, PMID: 27666373). To our knowledge, functional studies have not been reported for this variant. This variant has not been reported in individuals affected with DSP-related disorders in the literature. This variant has been identified in 1/251448 chromosomes in the general population by the Genome Aggregation Database (gnomAD). The available evidence is insufficient to determine the role of this variant in disease conclusively. Therefore, this variant is classified as a Variant of Uncertain Significance.

This study involves interpretation of variants in research participants for the purpose of population health screening. Participant phenotype was not available at the time of variant classification. Additional details can be found in publication PMID: 35346344, PMCID: PMC8962531

Fulgent Genetics
Classification: Uncertain significance for Arrhythmogenic cardiomyopathy with wooly hair and keratoderma; Arrhythmogenic right ventricular dysplasia 8; Lethal acantholytic epidermolysis bullosa; Keratosis palmoplantaris striata 2; Cardiomyopathy, dilated, with wooly hair, keratoderma, and tooth agenesis. Last evaluated: 2021-07-28. Review status: criteria provided, single submitter. Criteria: ACMG Guidelines, 2015. Collection method: clinical testing. Allele origin: unknown.

NM_004415.4(DSP):c.8159A>T (p.Tyr2720Phe)

Gene: DSP (desmoplakin; plus strand). Cytogenetic location: 6p24.3.
Variant type: single nucleotide variant.
Coding change: c.8159A>T on transcript NM_004415.4 (MANE Select); coding-DNA position 8159, A replaced by T.
Protein change: p.Tyr2720Phe; replaces tyrosine 2720 with phenylalanine.
Molecular consequence: missense variant.
Genome position (GRCh38, 1-based): chr6:7,585,421, A>T. VCF-style: chr6-7585421-A-T. GRCh37 (hg19) VCF-style: chr6-7585654-A-T.
Other names: c.6362A>T, p.Tyr2121Phe (NM_001008844.3); c.6830A>T, p.Tyr2277Phe (NM_001319034.2); c.8159A>T (NM_004415.2); short protein forms Y2720F, Y2121F, Y2277F.
Identifiers: ClinVar variation 1523958 (VCV001523958.10), dbSNP rs367972703, ClinGen allele CA133977300.
Genomic context (GRCh38, chr6:7,585,421, plus strand): 5'-GTGTGAAGGGAAAGAAGAAGATGTCAGCAGCAGAGGCAGTGAAAGAAAAATGGCTCCCGT[A>T]TGAGGCTGGCCAGCGCTTCCTGGAGTTCCAGTACCTCACGGGAGGTCTTGTTGACCCGGA-3'
Protein context (NP_004406.2, residues 2710-2730): AEAVKEKWLP[Tyr2720Phe]EAGQRFLEFQ